The following is an entry in ClinVar:

ClinVar aggregate classification (germline): Uncertain significance (1 of 4 stars; one submission).

Conditions:
Gnathodiaphyseal dysplasia (GDD). Also called: GNATHODIAPHYSEAL SCLEROSIS; OSTEOGENESIS IMPERFECTA WITH UNUSUAL SKELETAL LESIONS. Identifiers: Orphanet 53697, MedGen C1833736, MONDO:0008151, OMIM 166260.
Autosomal recessive limb-girdle muscular dystrophy type 2L (LGMDR12). Also called: Limb-girdle muscular dystrophy, type 2L; MUSCULAR DYSTROPHY, LIMB-GIRDLE, AUTOSOMAL RECESSIVE 12; Limb-Girdle Muscular Dystrophy R12 Anoctamin-5-Related (LGMD-R12). Identifiers: Orphanet 206549, MedGen C1969785, MONDO:0012652, OMIM 611307.

gnomAD v4.1: 1 of 1,613,172 alleles (0.000062%); highest among the groups gnomAD compares: Non-Finnish European, 0.000085%; no homozygotes.

Submission:

Labcorp Genetics (formerly Invitae), Labcorp
Classification: Uncertain significance for Autosomal recessive limb-girdle muscular dystrophy type 2L; Gnathodiaphyseal dysplasia. Last evaluated: 2025-12-03. Review status: criteria provided, single submitter. Criteria: Invitae Variant Classification Sherloc (09022015). Collection method: clinical testing. Allele origin: germline.
Comment: This sequence change replaces asparagine, which is neutral and polar, with lysine, which is basic and polar, at codon 440 of the ANO5 protein (p.Asn440Lys). This variant is not present in population databases (gnomAD no frequency). This variant has not been reported in the literature in individuals affected with ANO5-related conditions. Invitae Evidence Modeling of protein sequence and biophysical properties (such as structural, functional, and spatial information, amino acid conservation, physicochemical variation, residue mobility, and thermodynamic stability) has been performed for this missense variant. However, the output from this modeling did not meet the statistical confidence thresholds required to predict the impact of this variant on ANO5 protein function. In summary, the available evidence is currently insufficient to determine the role of this variant in disease. Therefore, it has been classified as a Variant of Uncertain Significance.

NM_213599.3(ANO5):c.1320T>A (p.Asn440Lys)

Gene: ANO5 (anoctamin 5; plus strand). Cytogenetic location: 11p14.3.
Variant type: single nucleotide variant.
Coding change: c.1320T>A on transcript NM_213599.3 (MANE Select); coding-DNA position 1320, T replaced by A.
Protein change: p.Asn440Lys; replaces asparagine 440 with lysine.
Molecular consequence: missense variant.
Genome position (GRCh38, 1-based): chr11:22,255,510, T>A. VCF-style: chr11-22255510-T-A. GRCh37 (hg19) VCF-style: chr11-22277056-T-A.
Other names: c.1317T>A, p.Asn439Lys (NM_001142649.2); c.1278T>A, p.Asn426Lys (NM_001410963.1, NM_001441300.1); c.1275T>A, p.Asn425Lys (NM_001410964.1, NM_001441301.1); c.1242T>A, p.Asn414Lys (NM_001441294.1); c.1239T>A, p.Asn413Lys (NM_001441295.1); c.1227T>A, p.Asn409Lys (NM_001441296.1, NM_001441302.1); c.1200T>A, p.Asn400Lys (NM_001441297.1); c.1164T>A, p.Asn388Lys (NM_001441298.1); and 1 more; short protein forms N440K, N409K, N426K, N387K, N388K, N400K, N413K, N425K.
Identifiers: ClinVar variation 4793457 (VCV004793457.1).
Genomic context (GRCh38, chr11:22,255,510, plus strand): 5'-ACAGCAGCAGCTTCAGCTGAGACCAGAATTTGAAGCTATGTGTAAACACAGGAAATTGAA[T>A]GCAGTGACTAAGGTAGACTAGAAAACTGTGAAACGGACAGCATATCTCAATGGACACACT-3'
Protein context (NP_998764.1, residues 430-450): FEAMCKHRKL[Asn440Lys]AVTKEMEPYM